The following is an entry in ClinVar:

NM_007294.4(BRCA1):c.130T>A (p.Cys44Ser)

Gene: BRCA1 (BRCA1 DNA repair associated; minus strand). Cytogenetic location: 17q21.31.
Variant type: single nucleotide variant.
Coding change: c.130T>A on transcript NM_007294.4 (MANE Select); coding-DNA position 130, T replaced by A.
Protein change: p.Cys44Ser; replaces cysteine 44 with serine.
Molecular consequence: missense variant. On other transcripts: non-coding transcript variant (1), intron variant (1).
Genome position (GRCh38, 1-based): chr17:43,115,730, A>T on the plus strand (T>A on the coding strand, the complement: BRCA1 is on the minus strand). VCF-style: chr17-43115730-A-T. GRCh37 (hg19) VCF-style: chr17-41267747-A-T.
Other names: 249T>A; c.-59T>A (NM_001408489.1, NM_001408490.1, NM_001408491.1 and 52 more transcripts); c.-175T>A (NM_001408492.1, NM_001407889.1, NM_001407900.1); c.130T>A, p.Cys44Ser (NM_001408494.1, NM_001408495.1, NM_007298.4 and 192 more transcripts); c.-12T>A (NM_001408497.1, NM_001408499.1, NM_001408500.1 and 47 more transcripts); c.-128T>A (NM_001408501.1, NM_001407694.1, NM_001407696.1 and 13 more transcripts); c.-174T>A (NM_001408510.1, NM_001408512.1, NM_001407960.1 and 1 more transcripts); c.-8+8287T>A (NM_007297.4); and 3 more; short protein forms C44S.
Identifiers: ClinVar variation 54191 (VCV000054191.55), dbSNP rs80357327, ClinGen allele CA000854.

ClinVar aggregate classification (germline): Pathogenic. Review status: reviewed by expert panel (3 of 4 stars). 16 submissions from 16 submitters: Pathogenic (1). 15 of the submissions do not count toward it. Last evaluated 2015-08-10.

Conditions:
Hereditary cancer-predisposing syndrome. Also called: Tumor predisposition; Neoplastic Syndromes, Hereditary; Hereditary Cancer Syndrome; Hereditary neoplastic syndrome. Identifiers: Orphanet 140162, MedGen C0027672, MeSH D009386, MONDO:0015356.
Hereditary breast ovarian cancer syndrome. Also called: Hereditary breast and ovarian cancer syndrome (HBOC); Hereditary breast and ovarian cancer syndrome; Hereditary breast and ovarian cancer; Hereditary breast and/or ovarian cancer syndrome; Breast and ovarian cancer; BRCA1- and BRCA2-Associated Hereditary Breast and Ovarian Cancer. Identifiers: Orphanet 145, MedGen C0677776, MeSH D061325, MONDO:0003582. Disease mechanism: loss of function.
Breast-ovarian cancer, familial, susceptibility to, 1 (BROVCA1). Also called: OVARIAN CANCER, SUSCEPTIBILITY TO; BRCA1 Hereditary Breast and Ovarian Cancer. Identifiers: Orphanet 145, MedGen C2676676, MONDO:0011450, OMIM 604370. Disease mechanism: loss of function.

Submissions 1 to 9 of 17:

Evidence-based Network for the Interpretation of Germline Mutant Alleles (ENIGMA)
Classification: Pathogenic for Breast-ovarian cancer, familial 1. Last evaluated: 2015-08-10. Review status: reviewed by expert panel. Criteria: ENIGMA BRCA1/2 Classification Criteria (2015). Collection method: curation. Allele origin: germline.
Comment: IARC class based on posterior probability from multifactorial likelihood analysis, thresholds for class as per Plon et al. 2008 (PMID: 18951446). Class 5 based on posterior probability = 1

Center for Genomic Medicine, Rigshospitalet, Copenhagen University Hospital
Classification: Pathogenic. Last evaluated: 2025-12-29. Review status: criteria provided, single submitter. Criteria: ACMG Guidelines, 2015. Collection method: clinical testing. Allele origin: germline. Not counted in ClinVar's aggregate classification.

Labcorp Genetics (formerly Invitae), Labcorp
Classification: Pathogenic for Hereditary breast ovarian cancer syndrome. Last evaluated: 2025-10-02. Review status: criteria provided, single submitter. Criteria: Invitae Variant Classification Sherloc (09022015). Collection method: clinical testing. Allele origin: germline. Not counted in ClinVar's aggregate classification.
Comment: This sequence change replaces cysteine, which is neutral and slightly polar, with serine, which is neutral and polar, at codon 44 of the BRCA1 protein (p.Cys44Ser). This variant is not present in population databases (gnomAD no frequency). This missense change has been observed in individual(s) with breast and ovarian cancer (PMID: 18182601, 18500671, 19543972, 20104584, 20437199). ClinVar contains an entry for this variant (Variation ID: 54191). Invitae Evidence Modeling incorporating data from in vitro experimental studies (PMID: 30209399) indicates that this missense variant is expected to disrupt BRCA1 function with a positive predictive value of 95%. Experimental studies have shown that this missense change affects BRCA1 function (PMID: 12732733, 20029420, 25652403). This variant disrupts the p.Cys44 amino acid residue in BRCA1. Other variant(s) that disrupt this residue have been determined to be pathogenic (PMID: 16403807, 20103620, 21725363, 21922593, 21990134, 23161852, 27272900). This suggests that this residue is clinically significant, and that variants that disrupt this residue are likely to be disease-causing. For these reasons, this variant has been classified as Pathogenic.

Department of Clinical Genetics, Copenhagen University Hospital, Rigshospitalet
Classification: Pathogenic for Breast-ovarian cancer, familial, susceptibility to, 1. Last evaluated: 2024-05-27. Review status: criteria provided, single submitter. Criteria: ACMG Guidelines, 2015. Collection method: clinical testing. Allele origin: germline. Affected: yes. Not counted in ClinVar's aggregate classification.
Comment: PP3; PS3; PP1_Strong; PM2_Supporting

Baylor Genetics
Classification: Pathogenic for Breast-ovarian cancer, familial, susceptibility to, 1. Last evaluated: 2024-03-24. Review status: criteria provided, single submitter. Criteria: ACMG Guidelines, 2015. Collection method: clinical testing. Allele origin: unknown. Not counted in ClinVar's aggregate classification.

Ambry Genetics
Classification: Pathogenic for Hereditary cancer-predisposing syndrome. Last evaluated: 2024-03-15. Review status: criteria provided, single submitter. Criteria: Ambry Variant Classification Scheme 2023. Collection method: clinical testing. Allele origin: germline. Not counted in ClinVar's aggregate classification.
Comment: The p.C44S pathogenic mutation (also known as c.130T>A), located in coding exon 2 of the BRCA1 gene, results from a T to A substitution at nucleotide position 130. The cysteine at codon 44 is replaced by serine, an amino acid with dissimilar properties. This alteration occurs in the functionally important RING finger domain (Abkevich V et al. J. Med. Genet. 2004 Jul;41:492-507). This alteration has been reported in multiple individuals diagnosed with breast and/or ovarian cancer (Begg CB et al, JAMA 2008 Jan; 299(2):194-201; Hansen TV et al, Breast Cancer Res. Treat. 2010 Nov; 124(1):259-64; Sweet K et al, Breast Cancer Res. Treat. 2010 Feb; 119(3):737-43; Capanu M et al, Genet. Epidemiol. 2011 Jul; 35(5):389-97). One functional study found that this nucleotide substitution is non-functional in a high throughput genome editing haploid cell survival assay (Findlay GM et al. Nature, 2018 Oct;562:217-222). Two other alterations at the same codon, p.C44Y (c.131G>A) and p.C44F (c.131G>T), have been identified in multiple breast and/or ovarian cancer families (Alsop K et al. J. Clin. Oncol. 2012 Jul;30:2654-63; Jalkh N et al. Hered Cancer Clin Pract. 2012 Jun;10:7; George J et al. Clin. Cancer. Res. 2013 Jul;19:3474-84; Lolas Hamameh S et al. Int. J. Cancer. 2017 Aug;141:750-756). This amino acid position is highly conserved in available vertebrate species. In addition, this alteration is predicted to be deleterious by in silico analysis. Based on the supporting evidence, this alteration is interpreted as a disease-causing mutation.

Quest Diagnostics Nichols Institute San Juan Capistrano
Classification: Pathogenic. Last evaluated: 2024-01-17. Review status: criteria provided, single submitter. Criteria: Quest Diagnostics criteria. Collection method: clinical testing. Allele origin: unknown. Not counted in ClinVar's aggregate classification.
Comment: The BRCA1 c.130T>A (p.Cys44Ser) variant has been reported in the published literature in individuals with breast and/or ovarian cancer (PMIDs: 33471991 (2021), 28888541 (2017), 19543972 (2010), 20104584 (2010), 20437199 (2010), 18182601 (2008)), and observed in screening studies of individuals with BRCA1 and BRCA2 pathogenic variants (PMIDs: 29339979 (2018), 29446198 (2018)). Functional studies indicate this variant has deleterious effects on BRCA1 protein function and DNA damage repair-associated cell survival (PMIDs: 30209399 (2018), 25823446 (2015)). This variant has not been reported in large, multi-ethnic general populations (Genome Aggregation Database). Analysis of this variant using bioinformatics tools for the prediction of the effect of amino acid changes on protein structure and function yielded predictions that this variant is damaging. Based on the available information, this variant is classified as pathogenic.

Clinical Genetics Laboratory, Skane University Hospital Lund
Classification: Pathogenic. Last evaluated: 2022-05-27. Review status: criteria provided, single submitter. Criteria: ACMG Guidelines, 2015. Collection method: clinical testing. Allele origin: germline. Affected: yes. Not counted in ClinVar's aggregate classification.

Color Diagnostics, LLC DBA Color Health
Classification: Pathogenic for Hereditary cancer-predisposing syndrome. Last evaluated: 2020-08-03. Review status: criteria provided, single submitter. Criteria: ACMG Guidelines, 2015. Collection method: clinical testing. Allele origin: germline. Not counted in ClinVar's aggregate classification.
Comment: This missense variant replaces cysteine with serine at codon 44 in the RING domain of the BRCA1 protein. Computational prediction tool suggests that this variant may have deleterious impact on protein structure and function (internally defined REVEL score threshold >=0.7, PMID: 27666373). The variant protein has been shown to be functionally defective in a haploid cell proliferation assay (PMID 30209399). This variant has been reported in individuals affected with breast cancer (PMID: 19543972, 20104584) and ovarian cancer (PMID: 20437199). This variant has not been identified in the general population by the Genome Aggregation Database (gnomAD). Different missense variants affecting the same codon, p.Cys44Tyr and p.Cys44Phe, are known to be pathogenic (Clinvar variation ID: 54199, 54200), indicating that cysteine at this position is important for BRCA1 function. Based on the available evidence, this variant is classified as Pathogenic.